The following is an entry in ClinVar:

NM_005909.5(MAP1B):c.3845C>T (p.Thr1282Met)

Gene: MAP1B (microtubule associated protein 1B; plus strand). Cytogenetic location: 5q13.2.
Variant type: single nucleotide variant.
Coding change: c.3845C>T on transcript NM_005909.5 (MANE Select); coding-DNA position 3845, C replaced by T.
Protein change: p.Thr1282Met; replaces threonine 1282 with methionine.
Molecular consequence: missense variant.
Genome position (GRCh38, 1-based): chr5:72,197,200, C>T. VCF-style: chr5-72197200-C-T. GRCh37 (hg19) VCF-style: chr5-71493027-C-T.
Other names: c.3467C>T, p.Thr1156Met (NM_001324255.2); c.3845C>T (NM_005909.4); short protein forms T1282M, T1156M.
Identifiers: ClinVar variation 2371098 (VCV002371098.3), dbSNP rs200610946, ClinGen allele CA3299060.

ClinVar aggregate classification (germline): Uncertain significance. Review status: criteria provided, single submitter (1 of 4 stars). 2 submissions from 2 submitters: Uncertain significance (1). 1 of the submissions does not count toward it. Last evaluated 2021-07-06.

Conditions:
Inborn genetic diseases. Identifiers: MedGen C0950123, MeSH D030342.
MAP1B-related disorder. Also called: MAP1B-related condition.

Allele frequency attached by ClinVar (database versions not stated): TOPMed 0.00014; ESP Exome Variant Server 0.00015; ExAC 0.00020.
gnomAD v4.1: 302 of 1,614,048 alleles (0.019%); highest among the groups gnomAD compares: Admixed American, 0.052%; no homozygotes.

Submissions (2):

Ambry Genetics
Classification: Uncertain significance for Inborn genetic diseases. Last evaluated: 2021-07-06. Review status: criteria provided, single submitter. Criteria: Ambry Variant Classification Scheme 2023. Collection method: clinical testing. Allele origin: germline.

PreventionGenetics, part of Exact Sciences
Classification: Likely benign for MAP1B-related condition. Last evaluated: 2024-07-01. Review status: no assertion criteria provided. Collection method: clinical testing. Allele origin: germline. Not counted in ClinVar's aggregate classification.
Comment: This variant is classified as likely benign based on ACMG/AMP sequence variant interpretation guidelines (Richards et al. 2015 PMID: 25741868, with internal and published modifications).